The following is an entry in ClinVar:

NM_015311.3(OBSL1):c.613G>C (p.Gly205Arg)

Gene: OBSL1 (obscurin like cytoskeletal adaptor 1; minus strand). Cytogenetic location: 2q35.
Variant type: single nucleotide variant.
Coding change: c.613G>C on transcript NM_015311.3 (MANE Select); coding-DNA position 613, G replaced by C.
Protein change: p.Gly205Arg; replaces glycine 205 with arginine.
Molecular consequence: missense variant.
Genome position (GRCh38, 1-based): chr2:219,570,620, C>G on the plus strand (G>C on the coding strand, the complement: OBSL1 is on the minus strand). VCF-style: chr2-219570620-C-G. GRCh37 (hg19) VCF-style: chr2-220435342-C-G.
Other names: c.613G>C, p.Gly205Arg (NM_001173408.2, NM_001173431.2); short protein forms G205R.
Identifiers: ClinVar variation 3903342 (VCV003903342.1).

ClinVar aggregate classification (germline): Uncertain significance (1 of 4 stars; one submission).

Submission:

GeneDx
Classification: Uncertain significance. Last evaluated: 2024-12-11. Review status: criteria provided, single submitter. Criteria: GeneDx Variant Classification Process June 2021. Collection method: clinical testing. Allele origin: germline. Affected: yes.
Comment: Not observed at significant frequency in large population cohorts (gnomAD); In silico analysis supports that this missense variant has a deleterious effect on protein structure/function; Has not been previously published as pathogenic or benign to our knowledge